The following is an entry in ClinVar:

NM_021020.5(LZTS1):c.826G>C (p.Ala276Pro)

Gene: LZTS1 (leucine zipper tumor suppressor 1; minus strand). Cytogenetic location: 8p21.3.
Variant type: single nucleotide variant.
Coding change: c.826G>C on transcript NM_021020.5 (MANE Select); coding-DNA position 826, G replaced by C.
Protein change: p.Ala276Pro; replaces alanine 276 with proline.
Molecular consequence: missense variant.
Genome position (GRCh38, 1-based): chr8:20,253,105, C>G on the plus strand (G>C on the coding strand, the complement: LZTS1 is on the minus strand). VCF-style: chr8-20253105-C-G. GRCh37 (hg19) VCF-style: chr8-20110616-C-G.
Other names: c.826G>C, p.Ala276Pro (NM_001362884.2); short protein forms A276P.
Identifiers: ClinVar variation 3292435 (VCV003292435.3).

ClinVar aggregate classification (germline): Uncertain significance. Review status: criteria provided, multiple submitters, no conflicts (2 of 4 stars). 2 submissions from 2 submitters: Uncertain significance (2). Last evaluated 2025-05-24.

gnomAD v4.1: 10 of 1,610,658 alleles (0.00062%); highest among the groups gnomAD compares: Admixed American, 0.017%; no homozygotes.

Submissions (2):

Labcorp Genetics (formerly Invitae), Labcorp
Classification: Uncertain significance. Last evaluated: 2025-05-24. Review status: criteria provided, single submitter. Criteria: Invitae Variant Classification Sherloc (09022015). Collection method: clinical testing. Allele origin: germline.
Comment: This sequence change replaces alanine, which is neutral and non-polar, with proline, which is neutral and non-polar, at codon 276 of the LZTS1 protein (p.Ala276Pro). This variant is present in population databases (rs150380039, gnomAD 0.03%). This variant has not been reported in the literature in individuals affected with LZTS1-related conditions. ClinVar contains an entry for this variant (Variation ID: 3292435). Invitae Evidence Modeling of protein sequence and biophysical properties (such as structural, functional, and spatial information, amino acid conservation, physicochemical variation, residue mobility, and thermodynamic stability) indicates that this missense variant is not expected to disrupt LZTS1 protein function with a negative predictive value of 80%. In summary, the available evidence is currently insufficient to determine the role of this variant in disease. Therefore, it has been classified as a Variant of Uncertain Significance.

Ambry Genetics
Classification: Uncertain significance. Last evaluated: 2024-05-15. Review status: criteria provided, single submitter. Criteria: Ambry Variant Classification Scheme 2023. Collection method: clinical testing. Allele origin: germline.